The following is an entry in ClinVar:

NM_014915.3(ANKRD26):c.790G>A (p.Glu264Lys)

Gene: ANKRD26 (ankyrin repeat domain 26; minus strand). Cytogenetic location: 10p12.1.
Variant type: single nucleotide variant.
Coding change: c.790G>A on transcript NM_014915.3 (MANE Select); coding-DNA position 790, G replaced by A.
Protein change: p.Glu264Lys; replaces glutamic acid 264 with lysine.
Molecular consequence: missense variant.
Genome position (GRCh38, 1-based): chr10:27,079,112, C>T on the plus strand (G>A on the coding strand, the complement: ANKRD26 is on the minus strand). VCF-style: chr10-27079112-C-T. GRCh37 (hg19) VCF-style: chr10-27368041-C-T.
Other names: c.790G>A, p.Glu264Lys (NM_001256053.2); short protein forms E264K.
Identifiers: ClinVar variation 2885356 (VCV002885356.5), dbSNP rs756064902, ClinGen allele CA5448789.
Genomic context (GRCh38, chr10:27,079,112, plus strand): 5'-AGAGTAAGAAAATTAAGTTCATGAGAGAGCACTTTACCTTAGTATCAAAATTGAGGTCTT[C>T]GTCATCTGAGGTAGGCCATGAATCATCAACACCCGGTTTGCCAGAAAGCCTTTAGAACAA-3'
Protein context (NP_055730.2, residues 254-274): VDDSWPTSDD[Glu264Lys]DLNFDTKNVP

ClinVar aggregate classification (germline): Uncertain significance. Review status: criteria provided, multiple submitters, no conflicts (2 of 4 stars). 2 submissions from 2 submitters: Uncertain significance (2). Last evaluated 2025-02-20.

Conditions:
Inborn genetic diseases. Identifiers: MedGen C0950123, MeSH D030342.

Allele frequency attached by ClinVar (database versions not stated): gnomAD exomes below 0.00001; gnomAD 0.00001; ExAC 0.00001.
gnomAD v4.1: 7 of 1,613,560 alleles (0.00043%); highest among the groups gnomAD compares: African/African-American, 0.0027%; no homozygotes.

Submissions (2):

Labcorp Genetics (formerly Invitae), Labcorp
Classification: Uncertain significance. Last evaluated: 2025-02-20. Review status: criteria provided, single submitter. Criteria: Invitae Variant Classification Sherloc (09022015). Collection method: clinical testing. Allele origin: germline.
Comment: This sequence change replaces glutamic acid, which is acidic and polar, with lysine, which is basic and polar, at codon 264 of the ANKRD26 protein (p.Glu264Lys). This variant is present in population databases (rs756064902, gnomAD 0.004%). This variant has not been reported in the literature in individuals affected with ANKRD26-related conditions. ClinVar contains an entry for this variant (Variation ID: 2885356). An algorithm developed to predict the effect of missense changes on protein structure and function (PolyPhen-2) suggests that this variant is likely to be tolerated. In summary, the available evidence is currently insufficient to determine the role of this variant in disease. Therefore, it has been classified as a Variant of Uncertain Significance.

Ambry Genetics
Classification: Uncertain significance for Inborn genetic diseases. Last evaluated: 2024-12-14. Review status: criteria provided, single submitter. Criteria: Ambry Variant Classification Scheme 2023. Collection method: clinical testing. Allele origin: germline.
Comment: The p.E264K variant (also known as c.790G>A), located in coding exon 7 of the ANKRD26 gene, results from a G to A substitution at nucleotide position 790. The glutamic acid at codon 264 is replaced by lysine, an amino acid with similar properties. This amino acid position is conserved. In addition, this alteration is predicted to be tolerated by in silico analysis. Based on the available evidence, the clinical significance of this variant remains unclear.